The following is an entry in ClinVar:

ClinVar aggregate classification (germline): Uncertain significance (1 of 4 stars; one submission).

Submission:

Labcorp Genetics (formerly Invitae), Labcorp
Classification: Uncertain significance. Last evaluated: 2024-02-15. Review status: criteria provided, single submitter. Criteria: Invitae Variant Classification Sherloc (09022015). Collection method: clinical testing. Allele origin: germline.
Comment: This sequence change replaces leucine, which is neutral and non-polar, with glutamine, which is neutral and polar, at codon 14 of the STAG2 protein (p.Leu14Gln). This variant is not present in population databases (gnomAD no frequency). This variant has not been reported in the literature in individuals affected with STAG2-related conditions. An algorithm developed to predict the effect of missense changes on protein structure and function (PolyPhen-2) suggests that this variant is likely to be tolerated. In summary, the available evidence is currently insufficient to determine the role of this variant in disease. Therefore, it has been classified as a Variant of Uncertain Significance.

NM_001042750.2(STAG2):c.41T>A (p.Leu14Gln)

Gene: STAG2 (STAG2 cohesin complex component; plus strand). Cytogenetic location: Xq25.
Variant type: single nucleotide variant.
Coding change: c.41T>A on transcript NM_001042750.2 (MANE Select); coding-DNA position 41, T replaced by A.
Protein change: p.Leu14Gln; replaces leucine 14 with glutamine.
Molecular consequence: missense variant.
Genome position (GRCh38, 1-based): chrX:124,022,668, T>A. VCF-style: chrX-124022668-T-A. GRCh37 (hg19) VCF-style: chrX-123156518-T-A.
Other names: c.41T>A, p.Leu14Gln (NM_001042749.2, NM_001042751.2, NM_001282418.2 and 13 more transcripts); short protein forms L14Q.
Identifiers: ClinVar variation 2777374 (VCV002777374.3), dbSNP rs2523546383, ClinGen allele CA414271502.
Genomic context (GRCh38, chrX:124,022,668, plus strand): 5'-TTCCAGAAGATGATAAAGAAATGATAGCAGCTCCAGAAATACCAACTGATTTTAATCTAC[T>A]ACAGTAAGTAAATTATATTCTGATAATTTTTAAATACTTGTTTATTCCACAAAATGGGGA-3'
Protein context (NP_001036215.1, residues 4-24): APEIPTDFNL[Leu14Gln]QESETHFSSD